The following is an entry in ClinVar:

ClinVar aggregate classification (germline): Uncertain significance. Review status: criteria provided, multiple submitters, no conflicts (2 of 4 stars). 5 submissions from 5 submitters: Uncertain significance (3). 2 of the submissions do not count toward it. Last evaluated 2025-04-23.

Conditions:
Hypertrophic cardiomyopathy 25 (CMH25). Also called: CARDIOMYOPATHY, FAMILIAL HYPERTROPHIC, 25. Identifiers: MedGen C4225408, MONDO:0011843, OMIM 607487.
Primary familial hypertrophic cardiomyopathy (HCM). Identifiers: Orphanet 99739, MedGen C0949658, MeSH D024741, MONDO:0024573. Inheritance: Various modes of inheritance.
Hypertrophic cardiomyopathy 4. Also called: Familial hypertrophic cardiomyopathy 4. Identifiers: MedGen C1861862, MONDO:0007268, OMIM 115197.

Allele frequency attached by ClinVar (database versions not stated): gnomAD exomes below 0.00001 and 0.00001; gnomAD 0.00001; TOPMed 0.00002.

Submissions (5):

Labcorp Genetics (formerly Invitae), Labcorp
Classification: Uncertain significance for Hypertrophic cardiomyopathy 25; Primary familial hypertrophic cardiomyopathy. Last evaluated: 2025-04-23. Review status: criteria provided, single submitter. Criteria: Invitae Variant Classification Sherloc (09022015). Collection method: clinical testing. Allele origin: germline.
Comment: This sequence change replaces arginine, which is basic and polar, with glutamine, which is neutral and polar, at codon 87 of the TCAP protein (p.Arg87Gln). This variant is present in population databases (rs121434298, gnomAD 0.0009%). This missense change has been observed in individual(s) with dilated cardiomyopathy (PMID: 12507422). ClinVar contains an entry for this variant (Variation ID: 5527). An algorithm developed to predict the effect of missense changes on protein structure and function (PolyPhen-2) suggests that this variant is likely to be disruptive. Experimental studies have shown that this missense change affects TCAP function (PMID: 15582318). Algorithms developed to predict the effect of sequence changes on RNA splicing suggest that this variant may create or strengthen a splice site. In summary, the available evidence is currently insufficient to determine the role of this variant in disease. Therefore, it has been classified as a Variant of Uncertain Significance.

GeneDx
Classification: Uncertain significance. Last evaluated: 2025-02-27. Review status: criteria provided, single submitter. Criteria: GeneDx Variant Classification Process June 2021. Collection method: clinical testing. Allele origin: germline. Affected: yes.
Comment: Reported in a patient with dilated cardiomyopathy (PMID: 12507422); Not observed at significant frequency in large population cohorts (gnomAD); In silico analysis suggests this variant may impact gene splicing. In the absence of RNA/functional studies, the actual effect of this sequence change is unknown.; In silico analysis supports that this missense variant has a deleterious effect on protein structure/function; Missense variants in this gene are a common cause of disease and they are underrepresented in the general population; This variant is associated with the following publications: (PMID: 15582318, 23299917, 16490376, 12507422, 36129056, 24843229, 21360311, 36935760)

Blueprint Genetics
Classification: Uncertain significance. Last evaluated: 2024-01-05. Review status: criteria provided, single submitter. Criteria: ACMG Guidelines, 2015. Collection method: clinical testing. Allele origin: germline.

Institut für Laboratoriums- und Transfusionsmedizin, Herz- und Diabeteszentrum Nordrhein-Westfalen
Classification: Uncertain significance for Hypertrophic cardiomyopathy 4. Last evaluated: 2016-05-01. Review status: no assertion criteria provided. Collection method: clinical testing. Allele origin: germline. Affected: yes. Observed: 1 variant allele. Not counted in ClinVar's aggregate classification.

OMIM
Classification: Uncertain significance for RECLASSIFIED - VARIANT OF UNKNOWN SIGNIFICANCE. Last evaluated: 2004-12-07. Review status: no assertion criteria provided. Collection method: literature only. Allele origin: germline. Not counted in ClinVar's aggregate classification.

Literature cited by the submitters: PubMed 12507422 (cited by Labcorp Genetics (formerly Invitae), Labcorp and OMIM); PubMed 15582318 (cited by Labcorp Genetics (formerly Invitae), Labcorp and OMIM).

NM_003673.4(TCAP):c.260G>A (p.Arg87Gln)

Gene: TCAP (titin-cap; plus strand). Cytogenetic location: 17q12.
Variant type: single nucleotide variant.
Coding change: c.260G>A on transcript NM_003673.4 (MANE Select); coding-DNA position 260, G replaced by A.
Protein change: p.Arg87Gln; replaces arginine 87 with glutamine.
Molecular consequence: missense variant.
Genome position (GRCh38, 1-based): chr17:39,665,865, G>A. VCF-style: chr17-39665865-G-A. GRCh37 (hg19) VCF-style: chr17-37822118-G-A.
Other names: short protein forms R87Q.
Identifiers: ClinVar variation 5527 (VCV000005527.13), dbSNP rs121434298, ClinGen allele CA253520.